The following is an entry in ClinVar:

NM_006019.4(TCIRG1):c.523G>T (p.Glu175Ter)

Gene: TCIRG1 (T cell immune regulator 1, ATPase H+ transporting V0 subunit a3; plus strand). Cytogenetic location: 11q13.2.
Variant type: single nucleotide variant.
Coding change: c.523G>T on transcript NM_006019.4 (MANE Select); coding-DNA position 523, G replaced by T.
Protein change: p.Glu175Ter; replaces glutamic acid 175 with a stop codon.
Molecular consequence: nonsense. On other transcripts: 5 prime UTR variant (2).
Genome position (GRCh38, 1-based): chr11:68,043,390, G>T. VCF-style: chr11-68043390-G-T. GRCh37 (hg19) VCF-style: chr11-67810857-G-T.
Other names: c.-388G>T (NM_001351059.2); c.-126G>T (NM_006053.4); short protein forms E175*.
Identifiers: ClinVar variation 1454531 (VCV001454531.8), dbSNP rs2134437954, ClinGen allele CA381577131.

ClinVar aggregate classification (germline): Pathogenic/Likely pathogenic. Review status: criteria provided, multiple submitters, no conflicts (2 of 4 stars). 3 submissions from 3 submitters: Pathogenic (1); Likely pathogenic (2). Last evaluated 2024-06-05.

Conditions:
Autosomal recessive osteopetrosis 1. Also called: ALBERS-SCHONBERG DISEASE, AUTOSOMAL RECESSIVE; TCIRG1-Related Osteopetrosis; TCIRG1-Related Autosomal Recessive Osteopetrosis. Identifiers: Orphanet 667, MedGen C1850127, MONDO:0009815, OMIM 259700.

Submissions (3):

Fulgent Genetics
Classification: Likely pathogenic for Autosomal recessive osteopetrosis 1. Last evaluated: 2024-06-05. Review status: criteria provided, single submitter. Criteria: ACMG Guidelines, 2015. Collection method: clinical testing. Allele origin: germline.

Labcorp Genetics (formerly Invitae), Labcorp
Classification: Pathogenic. Last evaluated: 2023-05-31. Review status: criteria provided, single submitter. Criteria: Invitae Variant Classification Sherloc (09022015). Collection method: clinical testing. Allele origin: germline.
Comment: For these reasons, this variant has been classified as Pathogenic. Algorithms developed to predict the effect of sequence changes on RNA splicing suggest that this variant may create or strengthen a splice site. ClinVar contains an entry for this variant (Variation ID: 1454531). This variant has not been reported in the literature in individuals affected with TCIRG1-related conditions. This variant is not present in population databases (gnomAD no frequency). This sequence change creates a premature translational stop signal (p.Glu175*) in the TCIRG1 gene. It is expected to result in an absent or disrupted protein product. Loss-of-function variants in TCIRG1 are known to be pathogenic (PMID: 10888887, 10942435, 11532986, 19448635).

Baylor Genetics
Classification: Likely pathogenic for Autosomal recessive osteopetrosis 1. Last evaluated: 2022-06-01. Review status: criteria provided, single submitter. Criteria: ACMG Guidelines, 2015. Collection method: clinical testing. Allele origin: unknown.

Literature cited by the submitters: PubMed 10888887 (cited by Labcorp Genetics (formerly Invitae), Labcorp); PubMed 10942435 (cited by Labcorp Genetics (formerly Invitae), Labcorp); PubMed 11532986 (cited by Labcorp Genetics (formerly Invitae), Labcorp); PubMed 19448635 (cited by Labcorp Genetics (formerly Invitae), Labcorp).